The following is an entry in ClinVar:

NM_000051.4(ATM):c.454G>T (p.Val152Leu)

Gene: ATM (ATM serine/threonine kinase; plus strand). Cytogenetic location: 11q22.3.
Variant type: single nucleotide variant.
Coding change: c.454G>T on transcript NM_000051.4 (MANE Select); coding-DNA position 454, G replaced by T.
Protein change: p.Val152Leu; replaces valine 152 with leucine.
Molecular consequence: missense variant.
Genome position (GRCh38, 1-based): chr11:108,235,792, G>T. VCF-style: chr11-108235792-G-T. GRCh37 (hg19) VCF-style: chr11-108106519-G-T.
Other names: c.454G>T, p.Val152Leu (NM_001351834.2); short protein forms V152L.
Identifiers: ClinVar variation 4865657 (VCV004865657.1).

ClinVar aggregate classification (germline): Uncertain significance (1 of 4 stars; one submission).

Conditions:
Hereditary cancer-predisposing syndrome. Also called: Neoplastic Syndromes, Hereditary; Tumor predisposition; Hereditary Cancer Syndrome; Hereditary neoplastic syndrome. Identifiers: Orphanet 140162, MedGen C0027672, MeSH D009386, MONDO:0015356.

Submission:

Ambry Genetics
Classification: Uncertain significance for Hereditary cancer-predisposing syndrome. Last evaluated: 2026-05-11. Review status: criteria provided, single submitter. Criteria: Ambry Variant Classification Scheme 2023. Collection method: clinical testing. Allele origin: germline.
Comment: The p.V152L variant (also known as c.454G>T), located in coding exon 4 of the ATM gene, results from a G to T substitution at nucleotide position 454. The valine at codon 152 is replaced by leucine, an amino acid with highly similar properties. This amino acid position is highly conserved in available vertebrate species. In addition, the in silico prediction for this alteration is inconclusive. Based on the available evidence, the clinical significance of this variant remains unclear.